The following is an entry in ClinVar:

ClinVar aggregate classification (germline): Uncertain significance. Review status: criteria provided, multiple submitters, no conflicts (2 of 4 stars). 16 submissions from 16 submitters: Uncertain significance (11). 5 of the submissions do not count toward it. Last evaluated 2026-01-24.

Conditions:
ATM-related disorder. Also called: ATM-related disorders; ATM-related condition.
Hereditary cancer-predisposing syndrome. Also called: Neoplastic Syndromes, Hereditary; Hereditary neoplastic syndrome; Hereditary Cancer Syndrome; Tumor predisposition. Identifiers: Orphanet 140162, MedGen C0027672, MeSH D009386, MONDO:0015356.
Familial cancer of breast. Also called: BREAST CANCER, FAMILIAL; Hereditary breast cancer; hereditary breast carcinoma. Identifiers: Orphanet 227535, MedGen C0346153, MONDO:0016419, OMIM 114480. Disease mechanism: loss of function.
Ataxia-telangiectasia syndrome (AT). Also called: LOUIS-BAR SYNDROME; Ataxia-telangiectasia, complementation group D; AT, COMPLEMENTATION GROUP C; Ataxia telangiectasia (A-T); ATAXIA-TELANGIECTASIA, COMPLEMENTATION GROUP A; ATAXIA-TELANGIECTASIA, FRESNO VARIANT. Identifiers: Orphanet 100, MedGen C0004135, MONDO:0008840, OMIM 208900.
Malignant tumor of breast. Also called: Malignant breast neoplasm; Cancer breast. Identifiers: MedGen C0006142, MONDO:0007254. Disease mechanism: loss of function.

Allele frequency attached by ClinVar (database versions not stated): gnomAD 0.00001; gnomAD exomes 0.00001; TOPMed 0.00001; ExAC 0.00002.
gnomAD v4.1: 17 of 1,613,598 alleles (0.0011%); highest among the groups gnomAD compares: Non-Finnish European, 0.0014%; no homozygotes.

Submissions 1 to 10 of 16:

Labcorp Genetics (formerly Invitae), Labcorp
Classification: Uncertain significance for Ataxia-telangiectasia syndrome. Last evaluated: 2026-01-24. Review status: criteria provided, single submitter. Criteria: Invitae Variant Classification Sherloc (09022015). Collection method: clinical testing. Allele origin: germline.
Comment: This sequence change replaces lysine, which is basic and polar, with asparagine, which is neutral and polar, at codon 1754 of the ATM protein (p.Lys1754Asn). This variant is present in population databases (rs748900588, gnomAD 0.004%). This missense change has been observed in individual(s) with clinical features of ATM-related conditions (PMID: 12882767, 29522266, 29684080, 32885271). ClinVar contains an entry for this variant (Variation ID: 236734). Invitae Evidence Modeling of protein sequence and biophysical properties (such as structural, functional, and spatial information, amino acid conservation, physicochemical variation, residue mobility, and thermodynamic stability) indicates that this missense variant is not expected to disrupt ATM protein function with a negative predictive value of 95%. RNA analysis performed to evaluate the impact of this missense change on mRNA splicing indicates it does not significantly alter splicing (internal data). In summary, the available evidence is currently insufficient to determine the role of this variant in disease. Therefore, it has been classified as a Variant of Uncertain Significance.

Ambry Genetics
Classification: Uncertain significance for Hereditary cancer-predisposing syndrome. Last evaluated: 2025-10-20. Review status: criteria provided, single submitter. Criteria: Ambry Variant Classification Scheme 2023. Collection method: clinical testing. Allele origin: germline.
Comment: The p.K1754N variant (also known as c.5262G>T), located in coding exon 34 of the ATM gene, results from a G to T substitution at nucleotide position 5262. The lysine at codon 1754 is replaced by asparagine, an amino acid with similar properties. In an assay testing ATM function, this variant showed a functionally abnormal result (Lee KS et al. Cell, 2025 Sep;188:5081-5099.e27). This amino acid position is highly conserved in available vertebrate species. In addition, the in silico prediction for this alteration is inconclusive. Based on the available evidence, the clinical significance of this variant remains unclear.

PreventionGenetics, part of Exact Sciences
Classification: Uncertain significance for ATM-related condition. Last evaluated: 2025-08-24. Review status: criteria provided, single submitter. Criteria: ACMG Guidelines, 2015. Collection method: clinical testing. Allele origin: germline.
Comment: The ATM c.5262G>T variant is predicted to result in the amino acid substitution p.Lys1754Asn. This variant was reported in an individual with radiation-induced choroidal telangiectasia (Mauget-Faysse et al. 2003. PubMed ID: 12882767) and an individual with breast cancer (Table S2, Hauke et al. 2018. PubMed ID: 29522266). This variant has also been reported as a germline variant of uncertain significance in patients with kidney renal clear cell carcinoma (KIRC) and kidney renal papillary cell carcinoma (KIRP) from The Cancer Genome Atlas (TCGA; Table S9, Yehia et al. 2018. PubMed ID: 29684080). This variant is reported in 0.0039% of alleles in individuals of European (Non-Finnish) descent in gnomAD and is classified as a variant of uncertain significance in the ClinVar database (Variation ID: 236734). At this time, the clinical significance of this variant is uncertain due to the absence of conclusive functional and genetic evidence.

Quest Diagnostics Nichols Institute San Juan Capistrano
Classification: Uncertain significance. Last evaluated: 2024-08-12. Review status: criteria provided, single submitter. Criteria: Quest Diagnostics criteria. Collection method: clinical testing. Allele origin: unknown.

GeneDx
Classification: Uncertain significance. Last evaluated: 2024-06-03. Review status: criteria provided, single submitter. Criteria: GeneDx Variant Classification Process June 2021. Collection method: clinical testing. Allele origin: germline. Affected: yes.
Comment: Observed in individuals with breast or renal cancer (PMID: 28779002, 29522266, 29684080); Not observed at significant frequency in large population cohorts (gnomAD); In silico analysis supports that this missense variant has a deleterious effect on protein structure/function; This variant is associated with the following publications: (PMID: 28779002, 29522266, 12882767, 24197801, 29684080, 33471991, 34426522, 33030071, Carpenter2024[computational], 32885271)

Baylor Genetics
Classification: Uncertain significance for Familial cancer of breast. Last evaluated: 2024-03-25. Review status: criteria provided, single submitter. Criteria: ACMG Guidelines, 2015. Collection method: clinical testing. Allele origin: unknown.

Women's Health and Genetics/Laboratory Corporation of America, LabCorp
Classification: Uncertain significance. Last evaluated: 2024-01-02. Review status: criteria provided, single submitter. Criteria: LabCorp Variant Classification Summary - May 2015. Collection method: clinical testing. Allele origin: germline.
Comment: Variant summary: ATM c.5262G>T (p.Lys1754Asn) results in a non-conservative amino acid change in the encoded protein sequence. Five of five in-silico tools predict a damaging effect of the variant on protein function. The variant allele was found at a frequency of 1.2e-05 in 251160 control chromosomes. The available data on variant occurrences in the general population are insufficient to allow any conclusion about variant significance. c.5262G>T has been reported in the literature in individuals affected with Idiopathic and Radiation-Induced Ocular Telangiectasia (Mauget-Faysse_2003), without strong evidence for causality. In a large study evaluating breast cancer cases and controls in the Breast Cancer Association Consortium (BCAC), the variant was reported in 8/60466 cases and 2/53461 (Dorling_2021 through LOVD). These report(s) do not provide unequivocal conclusions about association of the variant with Breast Cancer. To our knowledge, no experimental evidence demonstrating an impact on protein function has been reported. The following publications have been ascertained in the context of this evaluation (PMID: 12882767, 33471991). Nine submitters have cited clinical-significance assessments for this variant to ClinVar after 2014. All submitters classified the variant as uncertain significance. Based on the evidence outlined above, the variant was classified as uncertain significance.

Color Diagnostics, LLC DBA Color Health
Classification: Uncertain significance for Hereditary cancer-predisposing syndrome. Last evaluated: 2023-10-27. Review status: criteria provided, single submitter. Criteria: ACMG Guidelines, 2015. Collection method: clinical testing. Allele origin: germline.
Comment: This missense variant replaces lysine with asparagine at codon 1754 of the ATM protein. Computational prediction is inconclusive regarding the impact of this variant on protein structure and function (internally defined REVEL score threshold 0.5 < inconclusive < 0.7, PMID: 27666373). To our knowledge, functional studies have not been reported for this variant. This variant has been reported in several individuals affected with breast cancer (PMID: 28779002, 29522266, 33471991), an individual affected with radiation-induced ocular telangiectasia (PMID:12882767), and in unaffected individuals (PMID: 33471991). This variant has been identified in 5/282544 chromosomes in the general population by the Genome Aggregation Database (gnomAD). The available evidence is insufficient to determine the role of this variant in disease conclusively. Therefore, this variant is classified as a Variant of Uncertain Significance.

Blueprint Genetics
Classification: Uncertain significance. Last evaluated: 2023-08-17. Review status: criteria provided, single submitter. Criteria: ACMG Guidelines, 2015. Collection method: clinical testing. Allele origin: germline.

Sema4
Classification: Uncertain significance for Hereditary cancer-predisposing syndrome. Last evaluated: 2022-01-13. Review status: criteria provided, single submitter. Criteria: Sema4 Curation Guidelines. Collection method: curation. Allele origin: germline.
Comment: The ATM c.5262G>T (p.K1754N) variant has been reported in one individual with radiation-induced telangiectasia (PMID 12882767). This variant has also been reported in heterozygosity in at least 12 individuals with breast cancer (PMID: 33471991, 28779002); however, it was also detected in at least 2 control individuals from a breast cancer study (PMID: 33471991). This variant has also been reported in 2 individuals with kidney disease (PMID: 29684080). This variant was observed in 5/282544 chromosomes among all subpopulations in the Genome Aggregation Database (PMID: 32461654). This variant has been reported in ClinVar (Variation ID: 236734). Functional studies have not been performed, and in silico predictions of the variant's effect on protein function are inconclusive. The evidence is insufficient to meet ACMG/AMP criteria for classifying the variant as benign or pathogenic. Thus, the clinical significance of this variant is currently uncertain.

NM_000051.4(ATM):c.5262G>T (p.Lys1754Asn)

Gene: ATM (ATM serine/threonine kinase; plus strand). Cytogenetic location: 11q22.3.
Variant type: single nucleotide variant.
Coding change: c.5262G>T on transcript NM_000051.4 (MANE Select); coding-DNA position 5262, G replaced by T.
Protein change: p.Lys1754Asn; replaces lysine 1754 with asparagine.
Molecular consequence: missense variant.
Genome position (GRCh38, 1-based): chr11:108,301,732, G>T. VCF-style: chr11-108301732-G-T. GRCh37 (hg19) VCF-style: chr11-108172459-G-T.
Other names: c.5262G>T, p.Lys1754Asn (NM_001351834.2); short protein forms K1754N.
Identifiers: ClinVar variation 236734 (VCV000236734.44), dbSNP rs748900588, ClinGen allele CA6265667.